The following is an entry in ClinVar:

NM_002691.4(POLD1):c.1330C>T (p.Arg444Trp)

Gene: POLD1 (DNA polymerase delta 1, catalytic subunit; plus strand). Cytogenetic location: 19q13.33.
Variant type: single nucleotide variant.
Coding change: c.1330C>T on transcript NM_002691.4 (MANE Select); coding-DNA position 1330, C replaced by T.
Protein change: p.Arg444Trp; replaces arginine 444 with tryptophan.
Molecular consequence: missense variant. On other transcripts: non-coding transcript variant (1).
Genome position (GRCh38, 1-based): chr19:50,406,269, C>T. VCF-style: chr19-50406269-C-T. GRCh37 (hg19) VCF-style: chr19-50909526-C-T.
Other names: c.1330C>T, p.Arg444Trp (NM_001256849.1, NM_001308632.1); c.1330C>T (NM_002691.2); short protein forms R444W.
Identifiers: ClinVar variation 2156673 (VCV002156673.5), dbSNP rs2122319510, ClinGen allele CA406979884.

ClinVar aggregate classification (germline): Uncertain significance. Review status: criteria provided, multiple submitters, no conflicts (2 of 4 stars). 2 submissions from 2 submitters: Uncertain significance (2). Last evaluated 2024-06-17.

Conditions:
POLD1-related polyposis and colorectal cancer syndrome (CRCS10). Also called: Colorectal cancer, susceptibility to, 10; Colorectal cancer 10; COLORECTAL CANCER, SUSCEPTIBILITY TO, ON CHROMOSOME 19q. Identifiers: Orphanet 220460, MedGen C2675481, MONDO:0012953, OMIM 612591.
Hereditary cancer-predisposing syndrome. Also called: Neoplastic Syndromes, Hereditary; Tumor predisposition; Hereditary Cancer Syndrome; Hereditary neoplastic syndrome. Identifiers: Orphanet 140162, MedGen C0027672, MeSH D009386, MONDO:0015356.

Allele frequency attached by ClinVar (database versions not stated): gnomAD exomes below 0.00001.
gnomAD v4.1: 1 of 1,613,954 alleles (0.000062%); highest among the groups gnomAD compares: Non-Finnish European, 0.000085%; no homozygotes.

Submissions (2):

Labcorp Genetics (formerly Invitae), Labcorp
Classification: Uncertain significance for POLD1-related polyposis and colorectal cancer syndrome. Last evaluated: 2024-06-17. Review status: criteria provided, single submitter. Criteria: Invitae Variant Classification Sherloc (09022015). Collection method: clinical testing. Allele origin: germline.
Comment: This sequence change replaces arginine, which is basic and polar, with tryptophan, which is neutral and slightly polar, at codon 444 of the POLD1 protein (p.Arg444Trp). This variant is not present in population databases (gnomAD no frequency). This variant has not been reported in the literature in individuals affected with POLD1-related conditions. ClinVar contains an entry for this variant (Variation ID: 2156673). Advanced modeling of protein sequence and biophysical properties (such as structural, functional, and spatial information, amino acid conservation, physicochemical variation, residue mobility, and thermodynamic stability) performed at Invitae indicates that this missense variant is expected to disrupt POLD1 protein function with a positive predictive value of 80%. In summary, the available evidence is currently insufficient to determine the role of this variant in disease. Therefore, it has been classified as a Variant of Uncertain Significance.

Ambry Genetics
Classification: Uncertain significance for Hereditary cancer-predisposing syndrome. Last evaluated: 2022-01-28. Review status: criteria provided, single submitter. Criteria: Ambry Variant Classification Scheme 2023. Collection method: clinical testing. Allele origin: germline.